The following is an entry in ClinVar:

ClinVar aggregate classification (germline): Uncertain significance (1 of 4 stars; one submission).

Submission:

Ambry Genetics
Classification: Uncertain significance. Last evaluated: 2023-07-01. Review status: criteria provided, single submitter. Criteria: Ambry Variant Classification Scheme 2023. Collection method: clinical testing. Allele origin: germline.
Comment: The p.A641G variant (also known as c.1922C>G), located in coding exon 14 of the RECQL gene, results from a C to G substitution at nucleotide position 1922. The alanine at codon 641 is replaced by glycine, an amino acid with similar properties. This amino acid position is conserved. In addition, this alteration is predicted to be tolerated by in silico analysis. Since supporting evidence is limited at this time, the clinical significance of this alteration remains unclear.

NM_002907.4(RECQL):c.1922C>G (p.Ala641Gly)

Genes: PYROXD1 (pyridine nucleotide-disulphide oxidoreductase domain 1; plus strand), RECQL (RecQ like helicase; minus strand). Cytogenetic location: 12p12.1.
Variant type: single nucleotide variant.
Coding change: c.1922C>G on transcript NM_002907.4 (MANE Select); coding-DNA position 1922, C replaced by G.
Protein change: p.Ala641Gly; replaces alanine 641 with glycine.
Molecular consequence: missense variant. On other transcripts: 3 prime UTR variant (3).
Genome position (GRCh38, 1-based): chr12:21,470,222, G>C on the plus strand (C>G on the coding strand, the complement: RECQL is on the minus strand). VCF-style: chr12-21470222-G-C. GRCh37 (hg19) VCF-style: chr12-21623156-G-C.
Other names: c.1922C>G, p.Ala641Gly (NM_032941.3); c.*1468G>C (NM_001350912.2, NM_001350913.2, NM_024854.5); short protein forms A641G.
Identifiers: ClinVar variation 2585998 (VCV002585998.2), dbSNP rs1942902579, ClinGen allele CA384113538.